The following is an entry in ClinVar:

ClinVar aggregate classification (germline): Uncertain significance. Review status: criteria provided, multiple submitters, no conflicts (2 of 4 stars). 2 submissions from 2 submitters: Uncertain significance (2). Last evaluated 2025-11-04.

Conditions:
Inborn genetic diseases. Identifiers: MedGen C0950123, MeSH D030342.

Allele frequency attached by ClinVar (database versions not stated): gnomAD exomes below 0.00001.
gnomAD v4.1: 1 of 1,614,206 alleles (0.000062%); highest among the groups gnomAD compares: Non-Finnish European, 0.000085%; no homozygotes.

Submissions (2):

Ambry Genetics
Classification: Uncertain significance for Inborn genetic diseases. Last evaluated: 2025-11-04. Review status: criteria provided, single submitter. Criteria: Ambry Variant Classification Scheme 2023. Collection method: clinical testing. Allele origin: germline.
Comment: The p.Y479D variant (also known as c.1435T>G), located in coding exon 6 of the MBD4 gene, results from a T to G substitution at nucleotide position 1435. The tyrosine at codon 479 is replaced by aspartic acid, an amino acid with highly dissimilar properties. This amino acid position is conserved. In addition, this alteration is predicted to be deleterious by in silico analysis. Based on the available evidence, the clinical significance of this variant remains unclear.

Labcorp Genetics (formerly Invitae), Labcorp
Classification: Uncertain significance. Last evaluated: 2023-10-23. Review status: criteria provided, single submitter. Criteria: Invitae Variant Classification Sherloc (09022015). Collection method: clinical testing. Allele origin: germline.
Comment: This sequence change replaces tyrosine, which is neutral and polar, with aspartic acid, which is acidic and polar, at codon 485 of the MBD4 protein (p.Tyr485Asp). This variant is not present in population databases (gnomAD no frequency). This variant has not been reported in the literature in individuals affected with MBD4-related conditions. An algorithm developed to predict the effect of missense changes on protein structure and function (PolyPhen-2) suggests that this variant is likely to be disruptive. In summary, the available evidence is currently insufficient to determine the role of this variant in disease. Therefore, it has been classified as a Variant of Uncertain Significance.

NM_001276270.2(MBD4):c.1435T>G (p.Tyr479Asp)

Gene: MBD4 (methyl-CpG binding domain 4, DNA glycosylase; minus strand). Cytogenetic location: 3q21.3.
Variant type: single nucleotide variant.
Coding change: c.1435T>G on transcript NM_001276270.2 (MANE Select); coding-DNA position 1435, T replaced by G.
Protein change: p.Tyr479Asp; replaces tyrosine 479 with aspartic acid.
Molecular consequence: missense variant.
Genome position (GRCh38, 1-based): chr3:129,433,206, A>C on the plus strand (T>G on the coding strand, the complement: MBD4 is on the minus strand). VCF-style: chr3-129433206-A-C. GRCh37 (hg19) VCF-style: chr3-129152049-A-C.
Other names: c.1453T>G, p.Tyr485Asp (NM_001276271.2, NM_001276272.2, NM_003925.3); c.499T>G, p.Tyr167Asp (NM_001276273.2); short protein forms Y479D, Y485D, Y167D.
Identifiers: ClinVar variation 2771397 (VCV002771397.4), dbSNP rs2072388817, ClinGen allele CA354465339.